The following is an entry in ClinVar:

ClinVar aggregate classification (germline): Conflicting classifications of pathogenicity. Review status: criteria provided, conflicting classifications (1 of 4 stars). 2 submissions from 2 submitters: Uncertain significance (1); Likely benign (1). Last evaluated 2022-10-08.

Allele frequency attached by ClinVar (database versions not stated): gnomAD 0.00001; TOPMed 0.00002; ExAC 0.00004; gnomAD exomes 0.00006.
gnomAD v4.1: 11 of 1,613,980 alleles (0.00068%); highest among the groups gnomAD compares: East Asian, 0.022%; no homozygotes.

Submissions (2):

Labcorp Genetics (formerly Invitae), Labcorp
Classification: Uncertain significance. Last evaluated: 2022-10-08. Review status: criteria provided, single submitter. Criteria: Invitae Variant Classification Sherloc (09022015). Collection method: clinical testing. Allele origin: germline.
Comment: This sequence change replaces proline, which is neutral and non-polar, with arginine, which is basic and polar, at codon 415 of the TRAF3IP1 protein (p.Pro415Arg). This variant is present in population databases (rs764563139, gnomAD 0.08%). This variant has not been reported in the literature in individuals affected with TRAF3IP1-related conditions. ClinVar contains an entry for this variant (Variation ID: 942702). Algorithms developed to predict the effect of missense changes on protein structure and function are either unavailable or do not agree on the potential impact of this missense change (SIFT: "Deleterious"; PolyPhen-2: "Possibly Damaging"; Align-GVGD: "Class C0"). In summary, the available evidence is currently insufficient to determine the role of this variant in disease. Therefore, it has been classified as a Variant of Uncertain Significance.

Blueprint Genetics
Classification: Likely benign. Last evaluated: 2021-06-02. Review status: criteria provided, single submitter. Criteria: ACMG Guidelines, 2015. Collection method: clinical testing. Allele origin: germline.

NM_015650.4(IFT54):c.1244C>G (p.Pro415Arg)

Gene: IFT54 (intraflagellar transport 54; plus strand). Cytogenetic location: 2q37.3.
Variant type: single nucleotide variant.
Coding change: c.1244C>G on transcript NM_015650.4 (MANE Select); coding-DNA position 1244, C replaced by G.
Protein change: p.Pro415Arg; replaces proline 415 with arginine.
Molecular consequence: missense variant. On other transcripts: intron variant (1).
Genome position (GRCh38, 1-based): chr2:238,344,581, C>G. VCF-style: chr2-238344581-C-G. GRCh37 (hg19) VCF-style: chr2-239253222-C-G.
Other names: c.1064-2874C>G (NM_001139490.1); short protein forms P415R.
Identifiers: ClinVar variation 942702 (VCV000942702.8), dbSNP rs764563139, ClinGen allele CA2198328.
Genomic context (GRCh38, chr2:238,344,581, plus strand): 5'-CAACTAGTATTTCAGATGATAATTCAGCTAGTCTGCGGTGTGAGAATATTCAGCCCAACC[C>G]CACAGAGAAGCAGAAAGGTAAGAATGGTCCAGTTTCGCCCTTTCCTGGCGAGAGCAGAGT-3'
Protein context (NP_056465.2, residues 405-425): SLRCENIQPN[Pro415Arg]TEKQKGDSTS